The following is an entry in ClinVar:

ClinVar aggregate classification (germline): Conflicting classifications of pathogenicity. Review status: criteria provided, conflicting classifications (1 of 4 stars). 10 submissions from 8 submitters: Uncertain significance (1); Benign (3); Likely benign (6). Last evaluated 2026-03-01.

Conditions:
Nephronophthisis. Also called: Juvenile Nephronophthisis. Identifiers: Orphanet 655, MedGen C0687120, MONDO:0019005, HP:0000090.
Nephronophthisis 3 (NPHP3). Also called: Adolescent nephronophthisis. Identifiers: Orphanet 655, MedGen C1858392, MONDO:0011456, OMIM 604387.
NPHP3-related Meckel-like syndrome. Also called: Meckel syndrome type 7; GOLDSTON SYNDROME. Identifiers: Orphanet 3032, MedGen C2673885, MONDO:0009966, OMIM 267010.
Renal-hepatic-pancreatic dysplasia 1 (RHPD1). Identifiers: MedGen C3715199, MONDO:0008833, OMIM 208540.

Allele frequency attached by ClinVar (database versions not stated): 1000 Genomes Project 30x 0.00141; 1000 Genomes Project 0.00180; TOPMed 0.00259; ESP Exome Variant Server 0.00369; gnomAD 0.00389 and 0.00404; gnomAD exomes 0.00427 and 0.00470; ExAC 0.00477.
gnomAD v4.1: 7,330 of 1,611,492 alleles (0.45%); highest among the groups gnomAD compares: Non-Finnish European, 0.51%; 22 homozygotes.

Submissions (10):

CeGaT Center for Human Genetics Tuebingen
Classification: Likely benign. Last evaluated: 2026-03-01. Review status: criteria provided, single submitter. Criteria: CeGaT Center For Human Genetics Tuebingen Variant Classification Criteria Version 2. Collection method: clinical testing. Allele origin: germline. Affected: yes. Observed: 5 variant alleles.
Comment: NPHP3: BS2

Labcorp Genetics (formerly Invitae), Labcorp
Classification: Benign for Nephronophthisis. Last evaluated: 2026-01-31. Review status: criteria provided, single submitter. Criteria: Invitae Variant Classification Sherloc (09022015). Collection method: clinical testing. Allele origin: germline.

Blueprint Genetics
Classification: Likely benign. Last evaluated: 2024-11-21. Review status: criteria provided, single submitter. Criteria: ACMG Guidelines, 2015. Collection method: clinical testing. Allele origin: germline.

Mayo Clinic Laboratories, Mayo Clinic
Classification: Benign. Last evaluated: 2024-05-01. Review status: criteria provided, single submitter. Criteria: ACMG Guidelines, 2015. Collection method: clinical testing. Allele origin: germline. Observed: 5 variant alleles.
Comment: BS1, BS2, BP4, BP7

GeneDx
Classification: Benign. Last evaluated: 2018-05-14. Review status: criteria provided, single submitter. Criteria: GeneDx Variant Classification Process June 2021. Collection method: clinical testing. Allele origin: germline. Affected: yes.

Illumina Laboratory Services, Illumina
Classification: Uncertain significance for NPHP3-related Meckel-like syndrome. Last evaluated: 2018-01-13. Review status: criteria provided, single submitter. Criteria: ICSL Variant Classification Criteria 13 December 2019. Collection method: clinical testing. Allele origin: germline.

Illumina Laboratory Services, Illumina
Classification: Likely benign for Nephronophthisis 3. Last evaluated: 2018-01-13. Review status: criteria provided, single submitter. Criteria: ICSL Variant Classification Criteria 13 December 2019. Collection method: clinical testing. Allele origin: germline.
Comment: This variant was observed in the ICSL laboratory as part of a predisposition screen in an ostensibly healthy population. It had not been previously curated by ICSL or reported in the Human Gene Mutation Database (HGMD: prior to June 1st, 2018), and was therefore a candidate for classification through an automated scoring system. Utilizing variant allele frequency, disease prevalence and penetrance estimates, and inheritance mode, an automated score was calculated to assess if this variant is too frequent to cause the disease. Based on the score and internal cut-off values, a variant classified as likely benign is not then subjected to further curation. The score for this variant resulted in a classification of likely benign for this disease.

Illumina Laboratory Services, Illumina
Classification: Likely benign for Renal-hepatic-pancreatic dysplasia 1. Last evaluated: 2018-01-13. Review status: criteria provided, single submitter. Criteria: ICSL Variant Classification Criteria 13 December 2019. Collection method: clinical testing. Allele origin: germline.
Comment: the same text as in the submission from Illumina Laboratory Services, Illumina above.

Genetic Services Laboratory, University of Chicago
Classification: Likely benign. Last evaluated: 2015-05-29. Review status: criteria provided, single submitter. Criteria: ACMG Guidelines, 2015. Collection method: clinical testing. Allele origin: germline.

PreventionGenetics, part of Exact Sciences
Classification: Likely benign. Review status: criteria provided, single submitter. Criteria: ACMG Guidelines, 2015. Collection method: clinical testing. Allele origin: germline.

NM_153240.5(NPHP3):c.2089-9C>T

Genes: NPHP3 (nephrocystin 3; minus strand), NPHP3-ACAD11 (NPHP3-ACAD11 readthrough (NMD candidate); minus strand). Cytogenetic location: 3q22.1.
Variant type: single nucleotide variant.
Coding change: c.2089-9C>T on transcript NM_153240.5 (MANE Select); 9 bases into the intron before coding-DNA position 2089, C replaced by T.
Molecular consequence: intron variant.
Genome position (GRCh38, 1-based): chr3:132,696,822, G>A on the plus strand (C>T on the coding strand, the complement: NPHP3 is on the minus strand). VCF-style: chr3-132696822-G-A. GRCh37 (hg19) VCF-style: chr3-132415666-G-A.
Other names: p.?.
Identifiers: ClinVar variation 211684 (VCV000211684.52), dbSNP rs141397228, ClinGen allele CA207387.